The following is an entry in ClinVar:

ClinVar aggregate classification (germline): Uncertain significance (1 of 4 stars; one submission).

Submission:

Ambry Genetics
Classification: Uncertain significance. Last evaluated: 2024-10-28. Review status: criteria provided, single submitter. Criteria: Ambry Variant Classification Scheme 2023. Collection method: clinical testing. Allele origin: germline.
Comment: The p.Q123R variant (also known as c.368A>G), located in coding exon 6 of the NPAT gene, results from an A to G substitution at nucleotide position 368. The glutamine at codon 123 is replaced by arginine, an amino acid with highly similar properties. This amino acid position is conserved. In addition, this alteration is predicted to be tolerated by in silico analysis. Based on the available evidence, the clinical significance of this variant remains unclear.

NM_002519.3(NPAT):c.368A>G (p.Gln123Arg)

Gene: NPAT (nuclear protein, coactivator of histone transcription; minus strand). Cytogenetic location: 11q22.3.
Variant type: single nucleotide variant.
Coding change: c.368A>G on transcript NM_002519.3 (MANE Select); coding-DNA position 368, A replaced by G.
Protein change: p.Gln123Arg; replaces glutamine 123 with arginine.
Molecular consequence: missense variant.
Genome position (GRCh38, 1-based): chr11:108,189,294, T>C on the plus strand (A>G on the coding strand, the complement: NPAT is on the minus strand). VCF-style: chr11-108189294-T-C. GRCh37 (hg19) VCF-style: chr11-108060021-T-C.
Other names: c.368A>G, p.Gln123Arg (NM_001321307.1); short protein forms Q123R.
Identifiers: ClinVar variation 3407255 (VCV003407255.1).
Genomic context (GRCh38, chr11:108,189,294, plus strand): 5'-AGGTAAGGTAAAGTGAGCAACTCTGCACTGGCTGGAGCTGTTTGAGATGCAAGCTTTCTC[T>C]GCCGTTTGATTTCTGCAATTCCAGTTCTCGTTCGGGCTGAAACATATAAGCATTTAAAAA-3'
Protein context (NP_002510.2, residues 113-133): TRTGIAEIKR[Gln123Arg]RKLASQTAPA